The following is an entry in ClinVar:

NM_004260.4(RECQL4):c.2936G>A (p.Gly979Glu)

Gene: RECQL4 (RecQ like helicase 4; minus strand). Cytogenetic location: 8q24.3.
Variant type: single nucleotide variant.
Coding change: c.2936G>A on transcript NM_004260.4 (MANE Select); coding-DNA position 2936, G replaced by A.
Protein change: p.Gly979Glu; replaces glycine 979 with glutamic acid.
Molecular consequence: missense variant.
Genome position (GRCh38, 1-based): chr8:144,512,511, C>T on the plus strand (G>A on the coding strand, the complement: RECQL4 is on the minus strand). VCF-style: chr8-144512511-C-T. GRCh37 (hg19) VCF-style: chr8-145737894-C-T.
Other names: short protein forms G979E.
Identifiers: ClinVar variation 573525 (VCV000573525.7), dbSNP rs1564790952, ClinGen allele CA372673326.

ClinVar aggregate classification (germline): Uncertain significance. Review status: criteria provided, multiple submitters, no conflicts (2 of 4 stars). 2 submissions from 2 submitters: Uncertain significance (2). Last evaluated 2025-04-03.

Conditions:
Inborn genetic diseases. Identifiers: MedGen C0950123, MeSH D030342.
Baller-Gerold syndrome (BGS). Also called: CRANIOSYNOSTOSIS WITH RADIAL DEFECTS. Identifiers: Orphanet 1225, MedGen C0265308, MONDO:0009039, OMIM 218600.

Allele frequency attached by ClinVar (database versions not stated): gnomAD exomes below 0.00001.

Submissions (2):

Ambry Genetics
Classification: Uncertain significance for Inborn genetic diseases. Last evaluated: 2025-04-03. Review status: criteria provided, single submitter. Criteria: Ambry Variant Classification Scheme 2023. Collection method: clinical testing. Allele origin: germline.
Comment: The p.G979E variant (also known as c.2936G>A), located in coding exon 17 of the RECQL4 gene, results from a G to A substitution at nucleotide position 2936. The glycine at codon 979 is replaced by glutamic acid, an amino acid with similar properties. This amino acid position is conserved. In addition, this alteration is predicted to be tolerated by in silico analysis. Based on the available evidence, the clinical significance of this variant remains unclear.

Labcorp Genetics (formerly Invitae), Labcorp
Classification: Uncertain significance for Baller-Gerold syndrome. Last evaluated: 2023-08-10. Review status: criteria provided, single submitter. Criteria: Invitae Variant Classification Sherloc (09022015). Collection method: clinical testing. Allele origin: germline.
Comment: This sequence change replaces glycine, which is neutral and non-polar, with glutamic acid, which is acidic and polar, at codon 979 of the RECQL4 protein (p.Gly979Glu). This variant is not present in population databases (gnomAD no frequency). This variant has not been reported in the literature in individuals affected with RECQL4-related conditions. ClinVar contains an entry for this variant (Variation ID: 573525). Advanced modeling of protein sequence and biophysical properties (such as structural, functional, and spatial information, amino acid conservation, physicochemical variation, residue mobility, and thermodynamic stability) performed at Invitae indicates that this missense variant is not expected to disrupt RECQL4 protein function. In summary, the available evidence is currently insufficient to determine the role of this variant in disease. Therefore, it has been classified as a Variant of Uncertain Significance.